The following is an entry in ClinVar:

NM_004933.3(CDH15):c.1993-5C>G

Gene: CDH15 (cadherin 15; plus strand). Cytogenetic location: 16q24.3.
Variant type: single nucleotide variant.
Coding change: c.1993-5C>G on transcript NM_004933.3 (MANE Select); 5 bases into the intron before coding-DNA position 1993, C replaced by G.
Molecular consequence: intron variant.
Genome position (GRCh38, 1-based): chr16:89,193,750, C>G. VCF-style: chr16-89193750-C-G. GRCh37 (hg19) VCF-style: chr16-89260158-C-G.
Identifiers: ClinVar variation 3384996 (VCV003384996.1).

ClinVar aggregate classification (germline): Likely benign (1 of 4 stars; one submission).

Submission:

Women's Health and Genetics/Laboratory Corporation of America, LabCorp
Classification: Likely benign. Last evaluated: 2024-10-02. Review status: criteria provided, single submitter. Criteria: LabCorp Variant Classification Summary - May 2015. Collection method: clinical testing. Allele origin: germline.
Comment: Variant summary: CDH15 c.1993-5C>G alters a non-conserved nucleotide located close to a canonical splice site and therefore could affect mRNA splicing, leading to a significantly altered protein sequence. Consensus agreement among computation tools predict no significant impact on normal splicing. However, these predictions have yet to be confirmed by functional studies. The variant allele was found at a frequency of 3.5e-05 in 1602602 control chromosomes (56 alleles, gnomAD v4.1.0). Although this frequency is not significantly higher than estimated for a pathogenic variant in CDH15 causing Intellectual Disability, Autosomal Dominant 3, this frequency is not suggestive of a highly penetrant allele associated with dominant disease. To our knowledge, no occurrence of c.1993-5C>G in individuals affected with Intellectual Disability, Autosomal Dominant 3 and no experimental evidence demonstrating its impact on protein function have been reported. No submitters have cited clinical-significance assessments for this variant to ClinVar. Based on the evidence outlined above, the variant was classified as likely benign.